The following is an entry in ClinVar:

NM_007294.4(BRCA1):c.1214C>A (p.Ser405Ter)

Gene: BRCA1 (BRCA1 DNA repair associated; minus strand). Cytogenetic location: 17q21.31.
Variant type: single nucleotide variant.
Coding change: c.1214C>A on transcript NM_007294.4 (MANE Select); coding-DNA position 1214, C replaced by A.
Protein change: p.Ser405Ter; replaces serine 405 with a stop codon.
Molecular consequence: nonsense. On other transcripts: intron variant (137).
Genome position (GRCh38, 1-based): chr17:43,094,317, G>T on the plus strand (C>A on the coding strand, the complement: BRCA1 is on the minus strand). VCF-style: chr17-43094317-G-T. GRCh37 (hg19) VCF-style: chr17-41246334-G-T.
Other names: c.1133C>A, p.Ser378Ter (NM_001407661.1, NM_001407662.1, NM_001407659.1 and 1 more transcripts); c.1136C>A, p.Ser379Ter (NM_001407663.1, NM_001407653.1, NM_001407654.1 and 4 more transcripts); c.1091C>A, p.Ser364Ter (NM_001407664.1, NM_001407665.1, NM_001407666.1 and 19 more transcripts); c.1088C>A, p.Ser363Ter (NM_001407670.1, NM_001407671.1, NM_001407672.1 and 11 more transcripts); c.1214C>A, p.Ser405Ter (NM_001407684.1, NM_001407854.1, NM_001407858.1 and 30 more transcripts); c.1073C>A, p.Ser358Ter (NM_001407692.1, NM_001407694.1, NM_001407695.1 and 29 more transcripts); c.1070C>A, p.Ser357Ter (NM_001407740.1, NM_001407741.1, NM_001407742.1 and 20 more transcripts); c.1001C>A, p.Ser334Ter (NM_001407853.1, NM_001407894.1, NM_001407895.1 and 9 more transcripts); and 40 more; short protein forms S405*, S358*, S293*, S357*, S363*, S404*, S316*, S317*.
Identifiers: ClinVar variation 54164 (VCV000054164.8), dbSNP rs80357481, ClinGen allele CA000796.

ClinVar aggregate classification (germline): Pathogenic. Review status: reviewed by expert panel (3 of 4 stars). 4 submissions from 4 submitters: Pathogenic (1). 3 of the submissions do not count toward it. Last evaluated 2016-09-08.

Conditions:
Hereditary breast ovarian cancer syndrome. Also called: Hereditary breast and ovarian cancer syndrome (HBOC); Hereditary breast and ovarian cancer syndrome; Hereditary breast and ovarian cancer; Hereditary breast and/or ovarian cancer syndrome; Breast and ovarian cancer; BRCA1- and BRCA2-Associated Hereditary Breast and Ovarian Cancer. Identifiers: Orphanet 145, MedGen C0677776, MeSH D061325, MONDO:0003582. Disease mechanism: loss of function.
Ovarian neoplasm. Also called: Ovarian tumor; Neoplasm of ovary; Ovarian Neoplasms. Identifiers: MedGen C0919267, MeSH D010051, MONDO:0021068, HP:0100615.
Breast-ovarian cancer, familial, susceptibility to, 1 (BROVCA1). Also called: OVARIAN CANCER, SUSCEPTIBILITY TO; BRCA1 Hereditary Breast and Ovarian Cancer. Identifiers: Orphanet 145, MedGen C2676676, MONDO:0011450, OMIM 604370. Disease mechanism: loss of function.

Submissions (4):

Evidence-based Network for the Interpretation of Germline Mutant Alleles (ENIGMA)
Classification: Pathogenic for Breast-ovarian cancer, familial, susceptibility to, 1. Last evaluated: 2016-09-08. Review status: reviewed by expert panel. Criteria: ENIGMA BRCA1/2 Classification Criteria (2015). Collection method: curation. Allele origin: germline.
Comment: Variant allele predicted to encode a truncated non-functional protein.

Labcorp Genetics (formerly Invitae), Labcorp
Classification: Pathogenic for Hereditary breast ovarian cancer syndrome. Last evaluated: 2025-03-04. Review status: criteria provided, single submitter. Criteria: Invitae Variant Classification Sherloc (09022015). Collection method: clinical testing. Allele origin: germline. Not counted in ClinVar's aggregate classification.
Comment: This sequence change creates a premature translational stop signal (p.Ser405*) in the BRCA1 gene. It is expected to result in an absent or disrupted protein product. Loss-of-function variants in BRCA1 are known to be pathogenic (PMID: 20104584). This variant is not present in population databases (gnomAD no frequency). This premature translational stop signal has been observed in individual(s) with clinical features of BRCA1-related conditions (PMID: 25927356). ClinVar contains an entry for this variant (Variation ID: 54164). For these reasons, this variant has been classified as Pathogenic.

German Consortium for Hereditary Breast and Ovarian Cancer, University Hospital Cologne
Classification: Pathogenic for Ovarian neoplasm. Last evaluated: 2018-12-01. Review status: no assertion criteria provided. Collection method: research. Allele origin: somatic. Affected: yes. Not counted in ClinVar's aggregate classification.

Breast Cancer Information Core (BIC) (BRCA1)
Classification: Pathogenic for Breast-ovarian cancer, familial 1. Last evaluated: 2003-12-23. Review status: no assertion criteria provided. Collection method: clinical testing. Allele origin: germline. Affected: yes. Observed: 1 variant allele. Not counted in ClinVar's aggregate classification.

Literature cited by the submitters: PubMed 20104584 (cited by Labcorp Genetics (formerly Invitae), Labcorp); PubMed 25927356 (cited by Labcorp Genetics (formerly Invitae), Labcorp).